The following is an entry in ClinVar:

ClinVar aggregate classification (germline): Pathogenic (0 of 4 stars; one submission).

Submission:

GenMed Metabolism Lab
Classification: Pathogenic. Review status: no assertion criteria provided. Collection method: not provided. Allele origin: unknown.
ClinVar note: Converted during submission from pathogenic to Pathogenic.

NM_000531.6(OTC):c.271del (p.Thr91fs)

Gene: OTC (ornithine transcarbamylase; plus strand). Cytogenetic location: Xp11.4.
Variant type: Deletion.
Coding change: c.271del on transcript NM_000531.6 (MANE Select); coding-DNA position 271, one base deleted (A; older notation c.271delA).
Protein change: p.Thr91fs; shifts the reading frame from threonine 91.
Molecular consequence: frameshift variant.
Genome position (GRCh38, 1-based): chrX:38,369,850, A deleted. VCF-style (leftmost placement, unchanged base first): chrX-38369849-TA-T. GRCh37 (hg19) VCF-style: chrX-38229102-TA-T.
Other names: short protein forms T91fs.
Identifiers: ClinVar variation 97149 (VCV000097149.2), dbSNP rs72554343, ClinGen allele CA224527.